The following is an entry in ClinVar:

ClinVar aggregate classification (germline): Uncertain significance (1 of 4 stars; one submission).

Submission:

GeneDx
Classification: Uncertain significance. Last evaluated: 2025-08-22. Review status: criteria provided, single submitter. Criteria: GeneDx Variant Classification Process June 2021. Collection method: clinical testing. Allele origin: germline. Affected: yes.
Comment: Nonsense variant predicted to result in protein truncation as the last 7 amino acids are lost in a gene for which loss-of-function is not an established mechanism of disease; Not observed at significant frequency in large population cohorts (gnomAD); Has not been previously published as pathogenic or benign to our knowledge; Variants in candidate genes are classified as variants of uncertain significance in accordance with ACMG guidelines (PMID: 25741868)

NM_032193.4(RNASEH2C):c.*624C>T

Genes: KAT5 (lysine acetyltransferase 5; plus strand), RNASEH2C (ribonuclease H2 subunit C; minus strand). Cytogenetic location: 11q13.1.
Variant type: single nucleotide variant.
Coding change: c.*624C>T on transcript NM_032193.4 (MANE Select); 624 bases downstream of the stop codon, C replaced by T.
Molecular consequence: 3 prime UTR variant. On other transcripts: nonsense (4).
Genome position (GRCh38, 1-based): chr11:65,719,159, G>A on the plus strand (C>T on the coding strand, the complement: RNASEH2C is on the minus strand). VCF-style: chr11-65719159-G-A. GRCh37 (hg19) VCF-style: chr11-65486630-G-A.
Other names: c.1463G>A, p.Trp488Ter (NM_001206833.2); c.1520G>A, p.Trp507Ter (NM_006388.4); c.1364G>A, p.Trp455Ter (NM_182709.3); c.1619G>A, p.Trp540Ter (NM_182710.3); short protein forms W455*, W488*, W507*, W540*.
Identifiers: ClinVar variation 4796665 (VCV004796665.1).
Genomic context (GRCh38, chr11:65,719,159, plus strand): 5'-CCATGCTCAAGCGGCTCCTGCGGATCGACTCCAAGTGTCTGCACTTCACTCCCAAGGACT[G>A]GAGCAAGAGGGGGAAGTGGTGACCAGACACTGCCCACTGCAGTGCCAAGACGGCAGCAGG-3'